The following is an entry in ClinVar:

ClinVar aggregate classification (germline): Conflicting classifications of pathogenicity. Review status: criteria provided, conflicting classifications (1 of 4 stars). 4 submissions from 4 submitters: Uncertain significance (1); Benign (2). 1 of the submissions does not count toward it. Last evaluated 2026-09-01.

Conditions:
Combined oxidative phosphorylation deficiency 55 (COXPD55). Identifiers: MedGen C5676915, MONDO:0859228, OMIM 619743.

Allele frequency attached by ClinVar (database versions not stated): gnomAD exomes 0.00323; ExAC 0.00345; ESP Exome Variant Server 0.00785; 1000 Genomes Project 0.00879; 1000 Genomes Project 30x 0.00937; TOPMed 0.01027.

Submissions (4):

CeGaT Center for Human Genetics Tuebingen
Classification: Benign. Last evaluated: 2026-09-01. Review status: criteria provided, single submitter. Criteria: CeGaT Center For Human Genetics Tuebingen Variant Classification Criteria Version 2. Collection method: clinical testing. Allele origin: germline. Affected: yes. Observed: 2 variant alleles.
Comment: POLRMT: BP4, BS1, BS2

Dasa
Classification: Benign. Last evaluated: 2025-11-18. Review status: criteria provided, single submitter. Criteria: DASA Assertion Criteria. Collection method: clinical testing. Allele origin: germline.
Comment: NM_005035.4(POLRMT):c.2608G>A (p.Asp870Asn) is a missense variant that results in the substitution of aspartic acid with asparagine. Population frequency is inconsistent with a disease-causing role for this variant, and observations in unaffected individuals support a benign interpretation. Computational prediction algorithms are consistent with a benign effect. Therefore, based on the currently available evidence, this variant is classified as benign.

Genomic Medicine Center of Excellence, King Faisal Specialist Hospital and Research Centre
Classification: Uncertain significance for Combined oxidative phosphorylation deficiency 55. Last evaluated: 2024-03-25. Review status: criteria provided, single submitter. Criteria: ACMG Guidelines, 2015. Collection method: research. Allele origin: germline.

OMIM
Classification: Pathogenic for COMBINED OXIDATIVE PHOSPHORYLATION DEFICIENCY 55. Last evaluated: 2025-12-29. Review status: no assertion criteria provided. Collection method: literature only. Allele origin: germline. Not counted in ClinVar's aggregate classification.

Literature cited by the submitters: PubMed 33602924 (cited by OMIM); PubMed 40583167 (cited by OMIM).

NM_005035.4(POLRMT):c.2608G>A (p.Asp870Asn)

Gene: POLRMT (RNA polymerase mitochondrial; minus strand). Cytogenetic location: 19p13.3.
Variant type: single nucleotide variant.
Coding change: c.2608G>A on transcript NM_005035.4 (MANE Select); coding-DNA position 2608, G replaced by A.
Protein change: p.Asp870Asn; replaces aspartic acid 870 with asparagine.
Molecular consequence: missense variant.
Genome position (GRCh38, 1-based): chr19:621,090, C>T on the plus strand (G>A on the coding strand, the complement: POLRMT is on the minus strand). VCF-style: chr19-621090-C-T. GRCh37 (hg19) VCF-style: chr19-621090-C-T.
Other names: POLRMT, ASP870ASN (rs139383492); short protein forms D870N.
Identifiers: ClinVar variation 1341470 (VCV001341470.9), dbSNP rs139383492, ClinGen allele CA9019862.
Genomic context (GRCh38, chr19:621,090, plus strand): 5'-GCGGGGAATGCGGGGGCCCCGCCCCTACCGTCAAGGGTTGGTCCGCGGAGTCCAGGATGT[C>T]ATCCATCACCTCCTCCGCAAAGGCCAGGCGCTTCCGCAGCGGCTCCCGCTTCTTCAACCC-3'
Protein context (NP_005026.3, residues 860-880): RLAFAEEVMD[Asp870Asn]ILDSADQPLT